The following is an entry in ClinVar:

ClinVar aggregate classification (germline): Likely benign (1 of 4 stars; one submission).

Allele frequency attached by ClinVar (database versions not stated): gnomAD exomes below 0.00001; ExAC 0.00001.
gnomAD v4.1: 1 of 1,614,260 alleles (0.000062%); highest among the groups gnomAD compares: South Asian, 0.0011%; no homozygotes.

Submission:

CeGaT Center for Human Genetics Tuebingen
Classification: Likely benign. Last evaluated: 2026-08-01. Review status: criteria provided, single submitter. Criteria: CeGaT Center For Human Genetics Tuebingen Variant Classification Criteria Version 2. Collection method: clinical testing. Allele origin: germline. Affected: yes. Observed: 2 variant alleles.
Comment: ARID1A: BP4, BP7

NM_006015.6(ARID1A):c.2550T>C (p.Tyr850=)

Gene: ARID1A (AT-rich interaction domain 1A; plus strand). Cytogenetic location: 1p36.11.
Variant type: single nucleotide variant.
Coding change: c.2550T>C on transcript NM_006015.6 (MANE Select); coding-DNA position 2550, T replaced by C.
Protein change: p.Tyr850=; no amino-acid change (tyrosine 850 retained).
Molecular consequence: synonymous variant.
Genome position (GRCh38, 1-based): chr1:26,763,103, T>C. VCF-style: chr1-26763103-T-C. GRCh37 (hg19) VCF-style: chr1-27089594-T-C.
Other names: c.2550T>C, p.Tyr850= (NM_139135.4).
Identifiers: ClinVar variation 3026145 (VCV003026145.22), dbSNP rs758812858, ClinGen allele CA707025.